The following is an entry in ClinVar:

NM_006904.7(PRKDC):c.7600A>C (p.Asn2534His)

Gene: PRKDC (protein kinase, DNA-activated, catalytic subunit; minus strand). Cytogenetic location: 8q11.21.
Variant type: single nucleotide variant.
Coding change: c.7600A>C on transcript NM_006904.7 (MANE Select); coding-DNA position 7600, A replaced by C.
Protein change: p.Asn2534His; replaces asparagine 2534 with histidine.
Molecular consequence: missense variant.
Genome position (GRCh38, 1-based): chr8:47,837,373, T>G on the plus strand (A>C on the coding strand, the complement: PRKDC is on the minus strand). VCF-style: chr8-47837373-T-G. GRCh37 (hg19) VCF-style: chr8-48749934-T-G.
Other names: c.7600A>C, p.Asn2534His (NM_001081640.2); short protein forms N2534H.
Identifiers: ClinVar variation 3425339 (VCV003425339.1).

ClinVar aggregate classification (germline): Uncertain significance (1 of 4 stars; one submission).

Submission:

Ambry Genetics
Classification: Uncertain significance. Last evaluated: 2024-09-20. Review status: criteria provided, single submitter. Criteria: Ambry Variant Classification Scheme 2023. Collection method: clinical testing. Allele origin: germline.
Comment: The p.N2534H variant (also known as c.7600A>C), located in coding exon 57 of the PRKDC gene, results from an A to C substitution at nucleotide position 7600. The asparagine at codon 2534 is replaced by histidine, an amino acid with similar properties. This amino acid position is conserved. In addition, this alteration is predicted to be tolerated by in silico analysis. Based on the available evidence, the clinical significance of this variant remains unclear.